The following is an entry in ClinVar:

NM_032043.3(BRIP1):c.380-13T>C

Gene: BRIP1 (BRCA1 interacting DNA helicase 1; minus strand). Cytogenetic location: 17q23.2.
Variant type: single nucleotide variant.
Coding change: c.380-13T>C on transcript NM_032043.3 (MANE Select); 13 bases into the intron before coding-DNA position 380, T replaced by C.
Molecular consequence: intron variant.
Genome position (GRCh38, 1-based): chr17:61,849,269, A>G on the plus strand (T>C on the coding strand, the complement: BRIP1 is on the minus strand). VCF-style: chr17-61849269-A-G. GRCh37 (hg19) VCF-style: chr17-59926630-A-G.
Identifiers: ClinVar variation 2941627 (VCV002941627.4), dbSNP rs2545422927, ClinGen allele CA2639157195.

ClinVar aggregate classification (germline): Likely benign. Review status: criteria provided, multiple submitters, no conflicts (2 of 4 stars). 2 submissions from 2 submitters: Likely benign (2). Last evaluated 2024-08-21.

Conditions:
Familial cancer of breast. Also called: BREAST CANCER, FAMILIAL; Hereditary breast cancer; hereditary breast carcinoma. Identifiers: Orphanet 227535, MedGen C0346153, MONDO:0016419, OMIM 114480. Disease mechanism: loss of function.
Fanconi anemia complementation group J. Also called: BRIP1-Related Fanconi Anemia. Identifiers: Orphanet 84, MedGen C1836860, MONDO:0012187, OMIM 609054.

Allele frequency attached by ClinVar (database versions not stated): gnomAD exomes below 0.00001.
gnomAD v4.1: 1 of 1,606,534 alleles (0.000062%); highest among the groups gnomAD compares: African/African-American, 0.0013%; no homozygotes.

Submissions (2):

Myriad Genetics, Inc.
Classification: Likely benign for Familial cancer of breast. Last evaluated: 2024-08-21. Review status: criteria provided, single submitter. Criteria: Myriad Autosomal Dominant, Autosomal Recessive and X-Linked Classification Criteria (2023). Collection method: clinical testing. Allele origin: unknown.
Comment: This variant is considered likely benign. This variant is intronic and is not expected to impact mRNA splicing.

Labcorp Genetics (formerly Invitae), Labcorp
Classification: Likely benign for Familial cancer of breast; Fanconi anemia complementation group J. Last evaluated: 2022-11-21. Review status: criteria provided, single submitter. Criteria: Invitae Variant Classification Sherloc (09022015). Collection method: clinical testing. Allele origin: germline.